The following is an entry in ClinVar:

NM_001267550.2(TTN):c.93970G>T (p.Glu31324Ter)

Genes: TTN-AS1 (TTN antisense RNA 1; plus strand), TTN (titin; minus strand). Cytogenetic location: 2q31.2.
Variant type: single nucleotide variant.
Coding change: c.93970G>T on transcript NM_001267550.2 (MANE Select); coding-DNA position 93970, G replaced by T.
Protein change: p.Glu31324Ter; replaces glutamic acid 31324 with a stop codon.
Molecular consequence: nonsense.
Genome position (GRCh38, 1-based): chr2:178,547,656, C>A on the plus strand (G>T on the coding strand, the complement: TTN is on the minus strand). VCF-style: chr2-178547656-C-A. GRCh37 (hg19) VCF-style: chr2-179412383-C-A.
Other names: c.89047G>T, p.Glu29683Ter (NM_001256850.1); c.66775G>T, p.Glu22259Ter (NM_003319.4); c.86266G>T, p.Glu28756Ter (NM_133378.4); c.67150G>T, p.Glu22384Ter (NM_133432.3); c.67351G>T, p.Glu22451Ter (NM_133437.4); short protein forms E22259*, E22384*, E22451*, E28756*, E29683*, E31324*.
Identifiers: ClinVar variation 3756229 (VCV003756229.2).

ClinVar aggregate classification (germline): Likely pathogenic (1 of 4 stars; one submission).

Conditions:
Dilated cardiomyopathy 1G (CMD1G). Identifiers: Orphanet 154, MedGen C1858763, MONDO:0011400, OMIM 604145.
Autosomal recessive limb-girdle muscular dystrophy type 2J (LGMDR10). Also called: Limb-girdle muscular dystrophy, type 2J; MUSCULAR DYSTROPHY, LIMB-GIRDLE, AUTOSOMAL RECESSIVE 10. Identifiers: Orphanet 140922, MedGen C1837342, MONDO:0012127, OMIM 608807.

gnomAD v4.1: 1 of 1,613,904 alleles (0.000062%); highest among the groups gnomAD compares: Non-Finnish European, 0.000085%; no homozygotes.

Submission:

Labcorp Genetics (formerly Invitae), Labcorp
Classification: Likely pathogenic for Dilated cardiomyopathy 1G; Autosomal recessive limb-girdle muscular dystrophy type 2J. Last evaluated: 2025-12-20. Review status: criteria provided, single submitter. Criteria: Invitae Variant Classification Sherloc (09022015). Collection method: clinical testing. Allele origin: germline.
Comment: This sequence change creates a premature translational stop signal (p.Glu31324*) in the TTN gene. While this is not anticipated to result in nonsense mediated decay, it is expected to create a truncated TTN protein. This variant is not present in population databases (gnomAD no frequency). This premature translational stop signal has been observed in individual(s) with clinical features of dilated cardiomyopathy (internal data). ClinVar contains an entry for this variant (Variation ID: 3756229). This variant is located in the A band of TTN (PMID: 25589632). Truncating variants in this region are significantly overrepresented in patients affected with dilated cardiomyopathy (PMID: 25589632). Truncating variants in this region have also been reported in individuals affected with autosomal recessive centronuclear myopathy (PMID: 23975875). In summary, the currently available evidence indicates that the variant is pathogenic, but additional data are needed to prove that conclusively. Therefore, this variant has been classified as Likely Pathogenic.

Literature cited by the submitters: PubMed 25589632; PubMed 23975875.